The following is an entry in ClinVar:

NM_004415.4(DSP):c.2834_2835del (p.Glu945fs)

Gene: DSP (desmoplakin; plus strand). Cytogenetic location: 6p24.3.
Variant type: Microsatellite.
Coding change: c.2834_2835del on transcript NM_004415.4 (MANE Select); coding-DNA positions 2834 to 2835, 2 bases deleted (AG; older notation c.2834_2835delAG).
Protein change: p.Glu945fs; shifts the reading frame from glutamic acid 945.
Molecular consequence: frameshift variant.
Genome position (GRCh38, 1-based): chr6:7,576,999-7,577,000, AG deleted; deleting any 2 consecutive bases within chr6:7,576,997-7,577,000 gives the same sequence; the c. name uses the placement nearest the transcript's 3' end. VCF-style (leftmost placement, unchanged base first): chr6-7576996-CAG-C. GRCh37 (hg19) VCF-style: chr6-7577229-CAG-C.
Other names: c.2834_2835del, p.Glu945fs (NM_001008844.3, NM_001319034.2); short protein forms E945fs.
Identifiers: ClinVar variation 1069979 (VCV001069979.7), dbSNP rs2113687617, ClinGen allele CA2580614827.

ClinVar aggregate classification (germline): Pathogenic (1 of 4 stars; one submission).

Conditions:
Arrhythmogenic cardiomyopathy with wooly hair and keratoderma. Also called: PALMOPLANTAR KERATODERMA WITH LEFT VENTRICULAR CARDIOMYOPATHY AND WOOLLY HAIR; Arrhythmogenic cardiomyopathy with woolly hair and keratoderma; Carvajal syndrome; Dilated cardiomyopathy with woolly hair and keratoderma. Identifiers: Orphanet 65282, MedGen C1854063, MONDO:0011581, OMIM 605676.
Arrhythmogenic right ventricular dysplasia 8 (ARVD8). Also called: ARRHYTHMOGENIC RIGHT VENTRICULAR DYSPLASIA, FAMILIAL, 8; ARRHYTHMOGENIC RIGHT VENTRICULAR CARDIOMYOPATHY 8; Arrhythmogenic Right Ventricular Dysplasia/Cardiomyopathy 8. Identifiers: MedGen C1843896, MONDO:0011831, OMIM 607450.

Submission:

Labcorp Genetics (formerly Invitae), Labcorp
Classification: Pathogenic for Arrhythmogenic cardiomyopathy with wooly hair and keratoderma; Arrhythmogenic right ventricular dysplasia 8. Last evaluated: 2020-08-30. Review status: criteria provided, single submitter. Criteria: Invitae Variant Classification Sherloc (09022015). Collection method: clinical testing. Allele origin: germline.
Comment: For these reasons, this variant has been classified as Pathogenic. Loss-of-function variants in DSP are known to be pathogenic (PMID: 20716751, 24503780, 25227139). This variant has not been reported in the literature in individuals with DSP-related conditions. This variant is not present in population databases (ExAC no frequency). This sequence change creates a premature translational stop signal (p.Glu945Glyfs*7) in the DSP gene. It is expected to result in an absent or disrupted protein product.

Literature cited by the submitters: PubMed 20716751; PubMed 24503780; PubMed 25227139.